The following is an entry in ClinVar:

ClinVar aggregate classification (germline): Likely pathogenic (0 of 4 stars; one submission).

Conditions:
CCDC82-related disorder.

Submission:

Department of Medical Genetics, School of Advanced Technologies in Medicine, Golestan University of Medical Sciences
Classification: Likely pathogenic for CCDC82-related disorder. Last evaluated: 2025-03-02. Review status: no assertion criteria provided. Collection method: clinical testing. Allele origin: germline. Affected: yes.
Comment: This variant introduces a premature stop codon predicted to result in nonsense-mediated mRNA decay, fulfilling the PVS1 very strong criterion. It is absent from large population databases such as gnomAD, supporting PM2 (supporting). Segregation analysis confirmed co-segregation with disease within a consanguineous family. Given the phenotype and gene function context, alongside in silico predictions and evolutionary conservation data, this variant is classified as likely pathogenic according to ACMG/AMP guidelines. Further functional validation is warranted to strengthen the gene-disease association.

NM_024725.4(CCDC82):c.709C>T (p.Arg237Ter)

Gene: CCDC82 (coiled-coil domain containing 82; minus strand). Cytogenetic location: 11q21.
Variant type: single nucleotide variant.
Coding change: c.709C>T on transcript NM_024725.4 (MANE Select); coding-DNA position 709, C replaced by T.
Protein change: p.Arg237Ter; replaces arginine 237 with a stop codon.
Molecular consequence: nonsense.
Genome position (GRCh38, 1-based): chr11:96,384,039, G>A on the plus strand (C>T on the coding strand, the complement: CCDC82 is on the minus strand). VCF-style: chr11-96384039-G-A. GRCh37 (hg19) VCF-style: chr11-96117203-G-A.
Other names: c.709C>T, p.Arg237Ter (NM_001318736.2, NM_001318737.3); c.640C>T, p.Arg214Ter (NM_001363594.2); short protein forms R214*, R237*.
Identifiers: ClinVar variation 3777029 (VCV003777029.1).